The following is an entry in ClinVar:

NM_001134363.3(RBM20):c.353C>T (p.Thr118Ile)

Gene: RBM20 (RNA binding motif protein 20; plus strand). Cytogenetic location: 10q25.2.
Variant type: single nucleotide variant.
Coding change: c.353C>T on transcript NM_001134363.3 (MANE Select); coding-DNA position 353, C replaced by T.
Protein change: p.Thr118Ile; replaces threonine 118 with isoleucine.
Molecular consequence: missense variant.
Genome position (GRCh38, 1-based): chr10:110,780,962, C>T. VCF-style: chr10-110780962-C-T. GRCh37 (hg19) VCF-style: chr10-112540720-C-T.
Other names: short protein forms T118I.
Identifiers: ClinVar variation 1473081 (VCV001473081.10), dbSNP rs2135041252, ClinGen allele CA378379727.

ClinVar aggregate classification (germline): Uncertain significance. Review status: criteria provided, multiple submitters, no conflicts (2 of 4 stars). 2 submissions from 2 submitters: Uncertain significance (2). Last evaluated 2025-12-15.

Conditions:
Cardiovascular phenotype. Identifiers: MedGen CN230736.
Dilated cardiomyopathy 1DD (CMD1DD). Identifiers: Orphanet 154, MedGen C2750995, MONDO:0013168, OMIM 613172.

Submissions (2):

Labcorp Genetics (formerly Invitae), Labcorp
Classification: Uncertain significance for Dilated cardiomyopathy 1DD. Last evaluated: 2025-12-15. Review status: criteria provided, single submitter. Criteria: Invitae Variant Classification Sherloc (09022015). Collection method: clinical testing. Allele origin: germline.
Comment: This sequence change replaces threonine, which is neutral and polar, with isoleucine, which is neutral and non-polar, at codon 118 of the RBM20 protein (p.Thr118Ile). This variant is not present in population databases (gnomAD no frequency). This variant has not been reported in the literature in individuals affected with RBM20-related conditions. ClinVar contains an entry for this variant (Variation ID: 1473081). Invitae Evidence Modeling of protein sequence and biophysical properties (such as structural, functional, and spatial information, amino acid conservation, physicochemical variation, residue mobility, and thermodynamic stability) indicates that this missense variant is not expected to disrupt RBM20 protein function with a negative predictive value of 95%. In summary, the available evidence is currently insufficient to determine the role of this variant in disease. Therefore, it has been classified as a Variant of Uncertain Significance.

Ambry Genetics
Classification: Uncertain significance for Cardiovascular phenotype. Last evaluated: 2022-04-23. Review status: criteria provided, single submitter. Criteria: Ambry Variant Classification Scheme 2023. Collection method: clinical testing. Allele origin: germline.
Comment: The p.T118I variant (also known as c.353C>T), located in coding exon 2 of the RBM20 gene, results from a C to T substitution at nucleotide position 353. The threonine at codon 118 is replaced by isoleucine, an amino acid with similar properties. This amino acid position is conserved. In addition, this alteration is predicted to be deleterious by in silico analysis. Since supporting evidence is limited at this time, the clinical significance of this alteration remains unclear.